The following is an entry in ClinVar:

NM_000492.4(CFTR):c.3721G>A (p.Gly1241Ser)

Genes: CFTR (CF transmembrane conductance regulator; plus strand), CFTR-AS2 (CFTR antisense RNA 2; minus strand). Cytogenetic location: 7q31.2.
Variant type: single nucleotide variant.
Coding change: c.3721G>A on transcript NM_000492.4 (MANE Select); coding-DNA position 3721, G replaced by A.
Protein change: p.Gly1241Ser; replaces glycine 1241 with serine.
Molecular consequence: missense variant.
Genome position (GRCh38, 1-based): chr7:117,642,441, G>A. VCF-style: chr7-117642441-G-A. GRCh37 (hg19) VCF-style: chr7-117282495-G-A.
Other names: short protein forms G1241S.
Identifiers: ClinVar variation 1734301 (VCV001734301.3), dbSNP rs2485159732, ClinGen allele CA368974409.

ClinVar aggregate classification (germline): Uncertain significance (1 of 4 stars; one submission).

Conditions:
Cystic fibrosis (CF). Also called: MUCOVISCIDOSIS. Identifiers: Orphanet 586, MedGen C0010674, MONDO:0009061, OMIM 219700. Disease mechanism: loss of function.

Submission:

Ambry Genetics
Classification: Uncertain significance for Cystic fibrosis. Last evaluated: 2025-06-15. Review status: criteria provided, single submitter. Criteria: Ambry Variant Classification Scheme 2023. Collection method: clinical testing. Allele origin: germline.
Comment: The p.G1241S variant (also known as c.3721G>A), located in coding exon 23 of the CFTR gene, results from a G to A substitution at nucleotide position 3721. The glycine at codon 1241 is replaced by serine, an amino acid with similar properties. This amino acid position is conserved. In addition, this alteration is predicted to be deleterious by in silico analysis. Since supporting evidence is limited at this time, the clinical significance of this alteration remains unclear.